The following is an entry in ClinVar:

ClinVar aggregate classification (germline): Uncertain significance. Review status: criteria provided, multiple submitters, no conflicts (2 of 4 stars). 2 submissions from 2 submitters: Uncertain significance (2). Last evaluated 2023-02-23.

Conditions:
Inborn genetic diseases. Identifiers: MedGen C0950123, MeSH D030342.
Deficiency of malonyl-CoA decarboxylase. Also called: Malonic aciduria; MCD deficiency. Identifiers: Orphanet 943, MedGen C0342793, MONDO:0009556, OMIM 248360.

Allele frequency attached by ClinVar (database versions not stated): gnomAD exomes 0.00001 and 0.00003; ExAC 0.00003; gnomAD 0.00012 and 0.00013; TOPMed 0.00014; 1000 Genomes Project 30x 0.00016; 1000 Genomes Project 0.00020.
gnomAD v4.1: 28 of 1,614,222 alleles (0.0017%); highest among the groups gnomAD compares: African/African-American, 0.037%; no homozygotes.

Submissions (2):

Ambry Genetics
Classification: Uncertain significance for Inborn genetic diseases. Last evaluated: 2023-02-23. Review status: criteria provided, single submitter. Criteria: Ambry Variant Classification Scheme 2023. Collection method: clinical testing. Allele origin: germline.

Labcorp Genetics (formerly Invitae), Labcorp
Classification: Uncertain significance for Deficiency of malonyl-CoA decarboxylase. Last evaluated: 2022-11-01. Review status: criteria provided, single submitter. Criteria: Invitae Variant Classification Sherloc (09022015). Collection method: clinical testing. Allele origin: germline.
Comment: This sequence change replaces leucine, which is neutral and non-polar, with valine, which is neutral and non-polar, at codon 298 of the MLYCD protein (p.Leu298Val). This variant is present in population databases (rs563907654, gnomAD 0.05%). This variant has not been reported in the literature in individuals affected with MLYCD-related conditions. ClinVar contains an entry for this variant (Variation ID: 529874). Advanced modeling of protein sequence and biophysical properties (such as structural, functional, and spatial information, amino acid conservation, physicochemical variation, residue mobility, and thermodynamic stability) performed at Invitae indicates that this missense variant is expected to disrupt MLYCD protein function. In summary, the available evidence is currently insufficient to determine the role of this variant in disease. Therefore, it has been classified as a Variant of Uncertain Significance.

NM_012213.3(MLYCD):c.892C>G (p.Leu298Val)

Genes: MLYCD (malonyl-CoA decarboxylase; plus strand), LOC126862422 (CDK7 strongly-dependent group 2 enhancer GRCh37_chr16:83945234-83946433; plus strand). Cytogenetic location: 16q23.3.
Variant type: single nucleotide variant.
Coding change: c.892C>G on transcript NM_012213.3 (MANE Select); coding-DNA position 892, C replaced by G.
Protein change: p.Leu298Val; replaces leucine 298 with valine.
Molecular consequence: missense variant.
Genome position (GRCh38, 1-based): chr16:83,912,311, C>G. VCF-style: chr16-83912311-C-G. GRCh37 (hg19) VCF-style: chr16-83945916-C-G.
Other names: short protein forms L298V.
Identifiers: ClinVar variation 529874 (VCV000529874.8), dbSNP rs563907654, ClinGen allele CA8197419.